The following is an entry in ClinVar:

NM_001626.6(AKT2):c.960+3G>A

Gene: AKT2 (AKT serine/threonine kinase 2; minus strand). Cytogenetic location: 19q13.2.
Variant type: single nucleotide variant.
Coding change: c.960+3G>A on transcript NM_001626.6 (MANE Select); 3 bases into the intron after coding-DNA position 960, G replaced by A.
Molecular consequence: intron variant.
Genome position (GRCh38, 1-based): chr19:40,236,254, C>T on the plus strand (G>A on the coding strand, the complement: AKT2 is on the minus strand). VCF-style: chr19-40236254-C-T. GRCh37 (hg19) VCF-style: chr19-40742161-C-T.
Other names: c.960+3G>A (LRG_1391t1); c.774+3G>A (NM_001243028.3, NM_001243027.3); c.832-150G>A (NM_001330511.1).
Identifiers: ClinVar variation 434115 (VCV000434115.43), dbSNP rs56165898, ClinGen allele CA9441629.

ClinVar aggregate classification (germline): Likely benign. Review status: criteria provided, multiple submitters, no conflicts (2 of 4 stars). 6 submissions from 6 submitters: Likely benign (5). 1 of the submissions does not count toward it. Last evaluated 2025-12-22.

Conditions:
Hypoinsulinemic hypoglycemia and body hemihypertrophy. Also called: Hypoinsulinemic hypoglycemia and hemihypertrophy. Identifiers: Orphanet 293964, MedGen C3278384, MONDO:0009416, OMIM 240900.
Type 2 diabetes mellitus. Also called: Type II diabetes mellitus. Identifiers: MedGen C0011860, MeSH D003924, MONDO:0005148, OMIM 125853, HP:0005978.
AKT2-related disorder. Also called: AKT2-related condition.

Allele frequency attached by ClinVar (database versions not stated): gnomAD 0.00048; ESP Exome Variant Server 0.00069; TOPMed 0.00097; 1000 Genomes Project 30x 0.00141; 1000 Genomes Project 0.00180.

Submissions (6):

Labcorp Genetics (formerly Invitae), Labcorp
Classification: Likely benign for Hypoinsulinemic hypoglycemia and body hemihypertrophy; Type 2 diabetes mellitus. Last evaluated: 2025-12-22. Review status: criteria provided, single submitter. Criteria: Invitae Variant Classification Sherloc (09022015). Collection method: clinical testing. Allele origin: germline.

CeGaT Center for Human Genetics Tuebingen
Classification: Likely benign. Last evaluated: 2025-12-01. Review status: criteria provided, single submitter. Criteria: CeGaT Center For Human Genetics Tuebingen Variant Classification Criteria Version 2. Collection method: clinical testing. Allele origin: germline. Affected: yes. Observed: 4 variant alleles.
Comment: AKT2: BP4, BS1

Blueprint Genetics
Classification: Likely benign. Last evaluated: 2024-11-20. Review status: criteria provided, single submitter. Criteria: ACMG Guidelines, 2015. Collection method: clinical testing. Allele origin: germline.

Genetic Services Laboratory, University of Chicago
Classification: Likely benign. Last evaluated: 2016-02-23. Review status: criteria provided, single submitter. Criteria: ACMG Guidelines, 2015. Collection method: clinical testing. Allele origin: germline. Affected: no.

Breakthrough Genomics
Classification: Likely benign. Review status: criteria provided, single submitter. Criteria: ACMG Guidelines, 2015. Collection method: not provided. Allele origin: germline. Inheritance: Autosomal dominant inheritance. Affected: yes.

PreventionGenetics, part of Exact Sciences
Classification: Benign for AKT2-related condition. Last evaluated: 2019-07-30. Review status: no assertion criteria provided. Collection method: clinical testing. Allele origin: germline. Not counted in ClinVar's aggregate classification.
Comment: This variant is classified as benign based on ACMG/AMP sequence variant interpretation guidelines (Richards et al. 2015 PMID: 25741868, with internal and published modifications).